The following is an entry in ClinVar:

ClinVar aggregate classification (germline): Pathogenic/Likely pathogenic. Review status: criteria provided, multiple submitters, no conflicts (2 of 4 stars). 5 submissions from 5 submitters: Pathogenic (3); Likely pathogenic (2). Last evaluated 2023-02-22.

Conditions:
Maturity-onset diabetes of the young (MODY). Also called: Maturity onset diabetes mellitus in young. Identifiers: Orphanet 552, MedGen C0342276, MONDO:0018911, HP:0004904.
Maturity-onset diabetes of the young type 3. Also called: MODY type 3; MODY, type III. Identifiers: Orphanet 552, MedGen C1838100, MeSH C563933, MONDO:0010894, OMIM 600496. Disease mechanism: loss of function.

Submissions (5):

GeneDx
Classification: Likely pathogenic. Last evaluated: 2023-02-22. Review status: criteria provided, single submitter. Criteria: GeneDx Variant Classification Process June 2021. Collection method: clinical testing. Allele origin: germline. Affected: yes.
Comment: Nonsense variant predicted to result in protein truncation or nonsense mediated decay in a gene for which loss of function is a known mechanism of disease; Not observed at significant frequency in large population cohorts (gnomAD); Has not been previously published as pathogenic or benign to our knowledge; This variant is associated with the following publications: (PMID: 36257325, 35673428, 35328643, 32395877, 31517624)

Geisinger Clinic, Geisinger Health System
Classification: Pathogenic for Maturity-onset diabetes of the young type 3. Last evaluated: 2022-08-02. Review status: criteria provided, single submitter. Criteria: ACMG Guidelines, 2015. Collection method: research. Allele origin: germline. Inheritance: Autosomal dominant inheritance. Affected: yes. Observed: 2 variant alleles.
Comment: PVS1, PM2

Women's Health and Genetics/Laboratory Corporation of America, LabCorp
Classification: Likely pathogenic for Maturity onset diabetes mellitus in young. Last evaluated: 2019-11-06. Review status: criteria provided, single submitter. Criteria: LabCorp Variant Classification Summary - May 2015. Collection method: clinical testing. Allele origin: germline.
Comment: Variant summary: HNF1A c.52G>T (p.Glu18X) results in a premature termination codon, predicted to cause a truncation of the encoded protein or absence of the protein due to nonsense mediated decay, which are commonly known mechanisms for disease. Truncations downstream of this position have been classified as pathogenic by our laboratory (c.511C>T, p.Arg171X; c.526C>T, p.Gln176X). The variant was absent in 248304 control chromosomes (gnomAD). To our knowledge, no occurrence of c.52G>T in individuals affected with Maturity Onset Diabetes of the Young 3 and no experimental evidence demonstrating its impact on protein function have been reported. No clinical diagnostic laboratories have submitted clinical-significance assessments for this variant to ClinVar after 2014. Based on the evidence outlined above, the variant was classified as likely pathogenic.

Ambry Genetics
Classification: Pathogenic for Maturity-onset diabetes of the young. Last evaluated: 2016-03-16. Review status: criteria provided, single submitter. Criteria: Ambry Variant Classification Scheme 2023. Collection method: clinical testing. Allele origin: germline.
Comment: The p.E18* pathogenic mutation (also known as c.52G>T), located in coding exon 1 of the HNF1A gene, results from a G to T substitution at nucleotide position 52. This changes the amino acid from a glutamic acid to a stop codon within coding exon 1. Since premature stop codons are typically deleterious in nature, this alteration is interpreted as a disease-causing mutation (ACMG Recommendations for Standards for Interpretation and Reporting of Sequence Variations. Revision 2007. Genet Med. 2008;10:294).

Clinical Genomics, Uppaluri K&H Personalized Medicine Clinic
Classification: Pathogenic for Maturity-onset diabetes of the young. Review status: criteria provided, single submitter. Criteria: K & H Uppaluri Personalized Medicine Clinic Variant Classification & Assertion Criteria_Updated V.1. Collection method: research. Allele origin: unknown. Inheritance: Autosomal dominant inheritance.
Comment: Mutations in HNF1A gene can predispose to MODY3. It is associated with both micro and macrovascular complications of diabetes, especially cardiovascular complications. Associated with glucosuria. May respond well to sulfonylureas. However, more evidence is required to confer the association of this particular variant rs1876084046 with MODY3.

Literature cited by the submitters: PubMed 36257325 (cited by Geisinger Clinic, Geisinger Health System); PubMed 31517624 (cited by Clinical Genomics, Uppaluri K&H Personalized Medicine Clinic); PubMed 32395877 (cited by Clinical Genomics, Uppaluri K&H Personalized Medicine Clinic); PubMed 35328643 (cited by Clinical Genomics, Uppaluri K&H Personalized Medicine Clinic); PubMed 35673428 (cited by Clinical Genomics, Uppaluri K&H Personalized Medicine Clinic).

NM_000545.8(HNF1A):c.52G>T (p.Glu18Ter)

Gene: HNF1A (HNF1 homeobox A; plus strand). Cytogenetic location: 12q24.31.
Variant type: single nucleotide variant.
Coding change: c.52G>T on transcript NM_000545.8 (MANE Select); coding-DNA position 52, G replaced by T.
Protein change: p.Glu18Ter; replaces glutamic acid 18 with a stop codon.
Molecular consequence: nonsense.
Genome position (GRCh38, 1-based): chr12:120,978,820, G>T. VCF-style: chr12-120978820-G-T. GRCh37 (hg19) VCF-style: chr12-121416623-G-T.
Other names: c.52G>T, p.Glu18Ter (NM_001306179.2); short protein forms E18*.
Identifiers: ClinVar variation 929078 (VCV000929078.11), dbSNP rs1876084046, ClinGen allele CA386952533.